The following is an entry in ClinVar:

ClinVar aggregate classification (germline): Uncertain significance. Review status: criteria provided, multiple submitters, no conflicts (2 of 4 stars). 2 submissions from 2 submitters: Uncertain significance (2). Last evaluated 2025-02-19.

Allele frequency attached by ClinVar (database versions not stated): gnomAD exomes below 0.00001; TOPMed below 0.00001; ExAC 0.00001; gnomAD 0.00001; ESP Exome Variant Server 0.00008.
gnomAD v4.1: 4 of 1,613,934 alleles (0.00025%); highest among the groups gnomAD compares: Non-Finnish European, 0.00034%; no homozygotes.

Submissions (2):

Mayo Clinic Laboratories, Mayo Clinic
Classification: Uncertain significance. Last evaluated: 2025-02-19. Review status: criteria provided, single submitter. Criteria: ACMG Guidelines, 2015. Collection method: clinical testing. Allele origin: germline. Observed: 1 variant allele.
Comment: BP4, PM2_supporting

Labcorp Genetics (formerly Invitae), Labcorp
Classification: Uncertain significance. Last evaluated: 2022-05-30. Review status: criteria provided, single submitter. Criteria: Invitae Variant Classification Sherloc (09022015). Collection method: clinical testing. Allele origin: germline.
Comment: This sequence change replaces leucine, which is neutral and non-polar, with valine, which is neutral and non-polar, at codon 1009 of the RNF31 protein (p.Leu1009Val). This variant is not present in population databases (gnomAD no frequency). This variant has not been reported in the literature in individuals affected with RNF31-related conditions. Algorithms developed to predict the effect of missense changes on protein structure and function are either unavailable or do not agree on the potential impact of this missense change (SIFT: "Tolerated"; PolyPhen-2: "Probably Damaging"; Align-GVGD: "Class C0"). In summary, the available evidence is currently insufficient to determine the role of this variant in disease. Therefore, it has been classified as a Variant of Uncertain Significance.

NM_017999.5(RNF31):c.3025C>G (p.Leu1009Val)

Gene: RNF31 (ring finger protein 31; plus strand). Cytogenetic location: 14q12.
Variant type: single nucleotide variant.
Coding change: c.3025C>G on transcript NM_017999.5 (MANE Select); coding-DNA position 3025, C replaced by G.
Protein change: p.Leu1009Val; replaces leucine 1009 with valine.
Molecular consequence: missense variant.
Genome position (GRCh38, 1-based): chr14:24,160,267, C>G. VCF-style: chr14-24160267-C-G. GRCh37 (hg19) VCF-style: chr14-24629476-C-G.
Other names: p.Leu1009Val; c.2572C>G, p.Leu858Val (NM_001310332.2); short protein forms L858V, L1009V.
Identifiers: ClinVar variation 2001078 (VCV002001078.5), dbSNP rs374389468, ClinGen allele CA7126251.
Genomic context (GRCh38, chr14:24,160,267, plus strand): 5'-ACAACAAATATTCTGCTCCCTTTTCTCCCCAGGGCACACTACAAAGAGTATCTTGTGAGC[C>G]TCATCAATGCCCACTCGCTGGACCCAGCCACCTTGTATGAGGTGGAAGAGCTGGAGACGG-3'
Protein context (NP_060469.4, residues 999-1019): QAHYKEYLVS[Leu1009Val]INAHSLDPAT